The following is an entry in ClinVar:

NM_001079802.2(FKTN):c.293C>T (p.Thr98Ile)

Gene: FKTN (fukutin; plus strand). Cytogenetic location: 9q31.2.
Variant type: single nucleotide variant.
Coding change: c.293C>T on transcript NM_001079802.2 (MANE Select); coding-DNA position 293, C replaced by T.
Protein change: p.Thr98Ile; replaces threonine 98 with isoleucine.
Molecular consequence: missense variant. On other transcripts: 5 prime UTR variant (4), non-coding transcript variant (2).
Genome position (GRCh38, 1-based): chr9:105,601,272, C>T. VCF-style: chr9-105601272-C-T. GRCh37 (hg19) VCF-style: chr9-108363553-C-T.
Other names: c.293C>T, p.Thr98Ile (NM_001198963.2, NM_001351496.2, NM_001351498.2 and 1 more transcripts); c.224C>T, p.Thr75Ile (NM_001351497.2); c.-222C>T (NM_001351499.2, NM_001351500.2, NM_001351501.2 and 1 more transcripts); short protein forms T98I, T75I.
Identifiers: ClinVar variation 289090 (VCV000289090.14), dbSNP rs376452959, ClinGen allele CA5170366.

ClinVar aggregate classification (germline): Conflicting classifications of pathogenicity. Review status: criteria provided, conflicting classifications (1 of 4 stars). 5 submissions from 5 submitters: Uncertain significance (3); Likely benign (1). 1 of the submissions does not count toward it. Last evaluated 2025-03-23.

Conditions:
Walker-Warburg congenital muscular dystrophy. Also called: Muscular dystrophy-dystroglycanopathy, type A; Walker-Warburg syndrome. Identifiers: Orphanet 899, MedGen C0265221, MONDO:0000171.
Cardiovascular phenotype. Identifiers: MedGen CN230736.

Allele frequency attached by ClinVar (database versions not stated): TOPMed 0.00002.
gnomAD v4.1: 8 of 1,612,598 alleles (0.0005%); highest among the groups gnomAD compares: African/African-American, 0.0093%; no homozygotes.

Submissions (5):

Ambry Genetics
Classification: Likely benign for Cardiovascular phenotype. Last evaluated: 2025-03-23. Review status: criteria provided, single submitter. Criteria: Ambry Variant Classification Scheme 2023. Collection method: clinical testing. Allele origin: germline.

GeneDx
Classification: Uncertain significance. Last evaluated: 2024-02-05. Review status: criteria provided, single submitter. Criteria: GeneDx Variant Classification Process June 2021. Collection method: clinical testing. Allele origin: germline. Affected: yes.
Comment: Has not been previously published as pathogenic or benign to our knowledge; In silico analysis supports that this missense variant does not alter protein structure/function

Labcorp Genetics (formerly Invitae), Labcorp
Classification: Uncertain significance for Walker-Warburg congenital muscular dystrophy. Last evaluated: 2022-08-09. Review status: criteria provided, single submitter. Criteria: Invitae Variant Classification Sherloc (09022015). Collection method: clinical testing. Allele origin: germline.
Comment: This sequence change replaces threonine, which is neutral and polar, with isoleucine, which is neutral and non-polar, at codon 98 of the FKTN protein (p.Thr98Ile). This variant is present in population databases (rs376452959, gnomAD 0.02%). This variant has not been reported in the literature in individuals affected with FKTN-related conditions. ClinVar contains an entry for this variant (Variation ID: 289090). Algorithms developed to predict the effect of missense changes on protein structure and function output the following: SIFT: "Tolerated"; PolyPhen-2: "Benign"; Align-GVGD: "Class C0". The isoleucine amino acid residue is found in multiple mammalian species, which suggests that this missense change does not adversely affect protein function. In summary, the available evidence is currently insufficient to determine the role of this variant in disease. Therefore, it has been classified as a Variant of Uncertain Significance.

Eurofins Ntd Llc (ga)
Classification: Uncertain significance. Last evaluated: 2016-07-08. Review status: criteria provided, single submitter. Criteria: EGL Classification Definitions 2015. Collection method: clinical testing. Allele origin: germline. Observed: 1 variant allele, 1 heterozygote.

Natera, Inc.
Classification: Uncertain significance for Walker-Warburg congenital muscular dystrophy. Last evaluated: 2019-10-28. Review status: no assertion criteria provided. Collection method: clinical testing. Allele origin: germline. Not counted in ClinVar's aggregate classification.